The following is an entry in ClinVar:

ClinVar aggregate classification (germline): Uncertain significance (1 of 4 stars; one submission).

Conditions:
Hereditary spastic paraplegia 11. Also called: Spastic Paraplegia 11; SPASTIC PARAPLEGIA, AUTOSOMAL RECESSIVE, COMPLICATED, WITH THIN CORPUS CALLOSUM; SPASTIC PARAPLEGIA, AUTOSOMAL RECESSIVE, WITH MENTAL IMPAIRMENT AND THIN CORPUS CALLOSUM; Nakamura Osame syndrome; Autosomal recessive hereditary spastic paraplegia, mental impairment, and thin corpus callosum; Spastic paraplegia, mental retardation and thin corpus callosum. Identifiers: Orphanet 2822, MedGen C1858479, MONDO:0011445, OMIM 604360.

Allele frequency attached by ClinVar (database versions not stated): gnomAD exomes below 0.00001.
gnomAD v4.1: 2 of 1,613,922 alleles (0.00012%); highest among the groups gnomAD compares: Admixed American, 0.0017%; no homozygotes.

Submission:

Labcorp Genetics (formerly Invitae), Labcorp
Classification: Uncertain significance for Hereditary spastic paraplegia 11. Last evaluated: 2022-11-08. Review status: criteria provided, single submitter. Criteria: Invitae Variant Classification Sherloc (09022015). Collection method: clinical testing. Allele origin: germline.
Comment: In summary, the available evidence is currently insufficient to determine the role of this variant in disease. Therefore, it has been classified as a Variant of Uncertain Significance. Advanced modeling of protein sequence and biophysical properties (such as structural, functional, and spatial information, amino acid conservation, physicochemical variation, residue mobility, and thermodynamic stability) performed at Invitae indicates that this missense variant is not expected to disrupt SPG11 protein function. ClinVar contains an entry for this variant (Variation ID: 1004230). This variant has not been reported in the literature in individuals affected with SPG11-related conditions. This variant is present in population databases (no rsID available, gnomAD 0.003%). This sequence change replaces threonine, which is neutral and polar, with alanine, which is neutral and non-polar, at codon 1088 of the SPG11 protein (p.Thr1088Ala).

NM_025137.4(SPG11):c.3262A>G (p.Thr1088Ala)

Gene: SPG11 (SPG11 vesicle trafficking associated, spatacsin; minus strand). Cytogenetic location: 15q21.1.
Variant type: single nucleotide variant.
Coding change: c.3262A>G on transcript NM_025137.4 (MANE Select); coding-DNA position 3262, A replaced by G.
Protein change: p.Thr1088Ala; replaces threonine 1088 with alanine.
Molecular consequence: missense variant.
Genome position (GRCh38, 1-based): chr15:44,610,869, T>C on the plus strand (A>G on the coding strand, the complement: SPG11 is on the minus strand). VCF-style: chr15-44610869-T-C. GRCh37 (hg19) VCF-style: chr15-44903067-T-C.
Other names: c.3262A>G, p.Thr1088Ala (NM_001160227.2); short protein forms T1088A.
Identifiers: ClinVar variation 1004230 (VCV001004230.9), dbSNP rs1221018693, ClinGen allele CA392226439.